The following is an entry in ClinVar:

ClinVar aggregate classification (germline): Uncertain significance (1 of 4 stars; one submission).

Submission:

Labcorp Genetics (formerly Invitae), Labcorp
Classification: Uncertain significance. Last evaluated: 2022-06-27. Review status: criteria provided, single submitter. Criteria: Invitae Variant Classification Sherloc (09022015). Collection method: clinical testing. Allele origin: germline.
Comment: In summary, the available evidence is currently insufficient to determine the role of this variant in disease. Therefore, it has been classified as a Variant of Uncertain Significance. Algorithms developed to predict the effect of missense changes on protein structure and function (SIFT, PolyPhen-2, Align-GVGD) all suggest that this variant is likely to be tolerated. This variant has not been reported in the literature in individuals affected with DNASE1L3-related conditions. This variant is not present in population databases (gnomAD no frequency). This sequence change replaces threonine, which is neutral and polar, with serine, which is neutral and polar, at codon 84 of the DNASE1L3 protein (p.Thr84Ser).

NM_004944.4(DNASE1L3):c.250A>T (p.Thr84Ser)

Gene: DNASE1L3 (deoxyribonuclease 1L3; minus strand). Cytogenetic location: 3p14.3.
Variant type: single nucleotide variant.
Coding change: c.250A>T on transcript NM_004944.4 (MANE Select); coding-DNA position 250, A replaced by T.
Protein change: p.Thr84Ser; replaces threonine 84 with serine.
Molecular consequence: missense variant. On other transcripts: intron variant (1).
Genome position (GRCh38, 1-based): chr3:58,205,541, T>A on the plus strand (A>T on the coding strand, the complement: DNASE1L3 is on the minus strand). VCF-style: chr3-58205541-T-A. GRCh37 (hg19) VCF-style: chr3-58191268-T-A.
Other names: c.231-660A>T (NM_001256560.2); short protein forms T84S.
Identifiers: ClinVar variation 1497939 (VCV001497939.6), dbSNP rs2107379057, ClinGen allele CA353340569.
Genomic context (GRCh38, chr3:58,205,541, plus strand): 5'-AGGCATATTGTTCTTTATATGTGTTTCTTCCAAGCCGAGAGCTAATCACATAGTTGTACG[T>A]TATGCCTCTCCTTGAATTTCTAGAAAACAAAGATTTAACACTGCATCTTGAAGAGTAAAC-3'
Protein context (NP_004935.1, residues 74-94): KLNRNSRRGI[Thr84Ser]YNYVISSRLG